The following is an entry in ClinVar:

NM_019892.6(INPP5E):c.1192G>A (p.Val398Met)

Gene: INPP5E (inositol polyphosphate-5-phosphatase E; minus strand). Cytogenetic location: 9q34.3.
Variant type: single nucleotide variant.
Coding change: c.1192G>A on transcript NM_019892.6 (MANE Select); coding-DNA position 1192, G replaced by A.
Protein change: p.Val398Met; replaces valine 398 with methionine.
Molecular consequence: missense variant.
Genome position (GRCh38, 1-based): chr9:136,433,043, C>T on the plus strand (G>A on the coding strand, the complement: INPP5E is on the minus strand). VCF-style: chr9-136433043-C-T. GRCh37 (hg19) VCF-style: chr9-139327495-C-T.
Other names: c.1192G>A, p.Val398Met (NM_001318502.2); short protein forms V398M.
Identifiers: ClinVar variation 914953 (VCV000914953.11), dbSNP rs200033750, ClinGen allele CA5336883.
Genomic context (GRCh38, chr9:136,433,043, plus strand): 5'-AGGAAGTGCCAAAAAAGGTGAAGCTGATGCCCAAGGCCCCCTTGGTCTTGATCTGAGACA[C>T]GATGCGTGTGGTCACCGTGGAGCACTCCACCTCTGTGGGAGGGGCAGCCCTCAGCTCACC-3'
Protein context (NP_063945.2, residues 388-408): VECSTVTTRI[Val398Met]SQIKTKGALG

ClinVar aggregate classification (germline): Uncertain significance. Review status: criteria provided, multiple submitters, no conflicts (2 of 4 stars). 2 submissions from 2 submitters: Uncertain significance (2). Last evaluated 2024-03-04.

Conditions:
Joubert syndrome 1 (JBTS1). Also called: Cerebellooculorenal syndrome 1; CEREBELLOPARENCHYMAL DISORDER IV. Identifiers: MedGen C4551568, MONDO:0008944, OMIM 213300.
Joubert syndrome. Also called: JOUBERT-BOLTSHAUSER SYNDROME; Familial aplasia of the vermis. Identifiers: Orphanet 475, MedGen C5979921, MONDO:0018772.

Allele frequency attached by ClinVar (database versions not stated): ExAC 0.00004; gnomAD 0.00004 and 0.00005; TOPMed 0.00004.

Submissions (2):

Labcorp Genetics (formerly Invitae), Labcorp
Classification: Uncertain significance for Joubert syndrome. Last evaluated: 2024-03-04. Review status: criteria provided, single submitter. Criteria: Invitae Variant Classification Sherloc (09022015). Collection method: clinical testing. Allele origin: germline.
Comment: This sequence change replaces valine, which is neutral and non-polar, with methionine, which is neutral and non-polar, at codon 398 of the INPP5E protein (p.Val398Met). This variant is present in population databases (rs200033750, gnomAD 0.06%). This variant has not been reported in the literature in individuals affected with INPP5E-related conditions. ClinVar contains an entry for this variant (Variation ID: 914953). Advanced modeling of protein sequence and biophysical properties (such as structural, functional, and spatial information, amino acid conservation, physicochemical variation, residue mobility, and thermodynamic stability) has been performed at Invitae for this missense variant, however the output from this modeling did not meet the statistical confidence thresholds required to predict the impact of this variant on INPP5E protein function. In summary, the available evidence is currently insufficient to determine the role of this variant in disease. Therefore, it has been classified as a Variant of Uncertain Significance.

Illumina Laboratory Services, Illumina
Classification: Uncertain significance for Joubert syndrome 1. Last evaluated: 2018-01-12. Review status: criteria provided, single submitter. Criteria: ICSL Variant Classification Criteria 13 December 2019. Collection method: clinical testing. Allele origin: germline.